The following is an entry in ClinVar:

ClinVar aggregate classification (germline): Uncertain significance (1 of 4 stars; one submission).

Conditions:
Fanconi anemia (FA). Also called: Fanconi's anemia. Identifiers: Orphanet 84, MedGen C0015625, MeSH D005199, MONDO:0019391.

Submission:

Labcorp Genetics (formerly Invitae), Labcorp
Classification: Uncertain significance for Fanconi anemia. Last evaluated: 2025-08-20. Review status: criteria provided, single submitter. Criteria: Invitae Variant Classification Sherloc (09022015). Collection method: clinical testing. Allele origin: germline.
Comment: This sequence change falls in intron 10 of the FANCD2 gene. It does not directly change the encoded amino acid sequence of the FANCD2 protein. It affects a nucleotide within the consensus splice site. This variant is not present in population databases (gnomAD no frequency). This variant has not been reported in the literature in individuals affected with FANCD2-related conditions. ClinVar contains an entry for this variant (Variation ID: 3637315). Variants that disrupt the consensus splice site are a relatively common cause of aberrant splicing (PMID: 17576681, 9536098). Algorithms developed to predict the effect of sequence changes on RNA splicing suggest that this variant may disrupt the consensus splice site. In summary, the available evidence is currently insufficient to determine the role of this variant in disease. Therefore, it has been classified as a Variant of Uncertain Significance.

Literature cited by the submitters: PubMed 17576681; PubMed 9536098.

NM_001018115.3(FANCD2):c.783+3A>T

Genes: FANCD2 (FA complementation group D2; plus strand), LOC107303338 (3p25 FANCD2 Alu-mediated recombination region; plus strand). Cytogenetic location: 3p25.3.
Variant type: single nucleotide variant.
Coding change: c.783+3A>T on transcript NM_001018115.3 (MANE Select); 3 bases into the intron after coding-DNA position 783, A replaced by T.
Molecular consequence: intron variant.
Genome position (GRCh38, 1-based): chr3:10,041,713, A>T. VCF-style: chr3-10041713-A-T. GRCh37 (hg19) VCF-style: chr3-10083397-A-T.
Other names: c.783+3A>T (NM_001319984.2, NM_001374253.1, NM_033084.6 and 1 more transcripts).
Identifiers: ClinVar variation 3637315 (VCV003637315.2).